The following is an entry in ClinVar:

NM_001374828.1(ARID1B):c.615GCA[6] (p.Gln214del)

Genes: ARID1B (AT-rich interaction domain 1B; plus strand), LOC115308161 (uncharacterized LOC115308161; minus strand). Cytogenetic location: 6q25.3.
Variant type: Microsatellite.
Coding change: c.615GCA[6] on transcript NM_001374828.1 (MANE Select); six copies in a row of the 3-base unit GCA starting at c.615; the reference has seven copies in a row; one copy, 3 bases deleted.
Protein change: p.Gln214del; deletes glutamine 214.
Molecular consequence: inframe deletion. On other transcripts: non-coding transcript variant (1).
Genome position (GRCh38, 1-based): chr6:156,778,313-156,778,315, GCA deleted; deleting any 3 consecutive bases within chr6:156,778,293-156,778,315 gives the same sequence; the position shown is the placement nearest the transcript's 3' end. VCF-style (leftmost placement, unchanged base first): chr6-156778292-ACAG-A. GRCh37 (hg19) VCF-style: chr6-157099426-ACAG-A.
Other names: c.615GCA[6], p.Gln214del (NM_001371656.1, NM_001374820.1, NM_017519.3); c.384_386delGCA (NM_020732.3); short protein forms Q214del.
Identifiers: ClinVar variation 210288 (VCV000210288.18), dbSNP rs587779744, ClinGen allele CA206893.

ClinVar aggregate classification (germline): Benign/Likely benign. Review status: criteria provided, multiple submitters, no conflicts (2 of 4 stars). 5 submissions from 5 submitters: Benign (1); Likely benign (3). 1 of the submissions does not count toward it. Last evaluated 2026-01-15.

Conditions:
ARID1B-Related Disorder. Identifiers: MedGen CN381337.
Inborn genetic diseases. Identifiers: MedGen C0950123, MeSH D030342.

Submissions (5):

Labcorp Genetics (formerly Invitae), Labcorp
Classification: Likely benign. Last evaluated: 2026-01-15. Review status: criteria provided, single submitter. Criteria: Invitae Variant Classification Sherloc (09022015). Collection method: clinical testing. Allele origin: germline.

Blueprint Genetics
Classification: Likely benign. Last evaluated: 2024-11-22. Review status: criteria provided, single submitter. Criteria: ACMG Guidelines, 2015. Collection method: clinical testing. Allele origin: germline.

Ambry Genetics
Classification: Benign for Inborn genetic diseases. Last evaluated: 2016-12-27. Review status: criteria provided, single submitter. Criteria: Ambry Variant Classification Scheme 2023. Collection method: clinical testing. Allele origin: germline.

Genetic Services Laboratory, University of Chicago
Classification: Likely benign. Last evaluated: 2014-07-15. Review status: criteria provided, single submitter. Criteria: ACMG Guidelines, 2015. Collection method: clinical testing. Allele origin: germline.

PreventionGenetics, part of Exact Sciences
Classification: Likely benign for ARID1B-related condition. Last evaluated: 2020-03-02. Review status: no assertion criteria provided. Collection method: clinical testing. Allele origin: germline. Not counted in ClinVar's aggregate classification.
Comment: This variant is classified as likely benign based on ACMG/AMP sequence variant interpretation guidelines (Richards et al. 2015 PMID: 25741868, with internal and published modifications).